The following is an entry in ClinVar:

NM_182961.4(SYNE1):c.2728-14T>C

Gene: SYNE1 (spectrin repeat containing nuclear envelope protein 1; minus strand). Cytogenetic location: 6q25.2.
Variant type: single nucleotide variant.
Coding change: c.2728-14T>C on transcript NM_182961.4 (MANE Select); 14 bases into the intron before coding-DNA position 2728, T replaced by C.
Molecular consequence: intron variant.
Genome position (GRCh38, 1-based): chr6:152,455,604, A>G on the plus strand (T>C on the coding strand, the complement: SYNE1 is on the minus strand). VCF-style: chr6-152455604-A-G. GRCh37 (hg19) VCF-style: chr6-152776739-A-G.
Other names: c.2749-14T>C (NM_033071.5).
Identifiers: ClinVar variation 2930483 (VCV002930483.3), dbSNP rs1440759872, ClinGen allele CA366110974.

ClinVar aggregate classification (germline): Uncertain significance (1 of 4 stars; one submission).

Conditions:
Emery-Dreifuss muscular dystrophy 4, autosomal dominant (EDMD4). Also called: EMERY-DREIFUSS MUSCULAR DYSTROPHY 4 WITH VARIABLE FEATURES. Identifiers: Orphanet 261, MedGen C2751807, MONDO:0013071, OMIM 612998.
Autosomal recessive ataxia, Beauce type. Also called: SYNE1-Related Autosomal Recessive Cerebellar Ataxia; SYNE1 Deficiency; Spinocerebellar ataxia, autosomal recessive 8; ATAXIA, RECESSIVE, OF BEAUCE. Identifiers: Orphanet 88644, MedGen C1853116, MONDO:0012549, OMIM 610743.

Allele frequency attached by ClinVar (database versions not stated): TOPMed 0.00002.

Submission:

Labcorp Genetics (formerly Invitae), Labcorp
Classification: Uncertain significance for Emery-Dreifuss muscular dystrophy 4, autosomal dominant; Autosomal recessive ataxia, Beauce type. Last evaluated: 2023-12-27. Review status: criteria provided, single submitter. Criteria: Invitae Variant Classification Sherloc (09022015). Collection method: clinical testing. Allele origin: germline.
Comment: This sequence change falls in intron 23 of the SYNE1 gene. It does not directly change the encoded amino acid sequence of the SYNE1 protein. This variant is not present in population databases (gnomAD no frequency). This variant has not been reported in the literature in individuals affected with SYNE1-related conditions. Algorithms developed to predict the effect of sequence changes on RNA splicing suggest that this variant may disrupt the consensus splice site. In summary, the available evidence is currently insufficient to determine the role of this variant in disease. Therefore, it has been classified as a Variant of Uncertain Significance.